The following is an entry in ClinVar:

NM_024422.6(DSC2):c.2147G>A (p.Cys716Tyr)

Gene: DSC2 (desmocollin 2; minus strand). Cytogenetic location: 18q12.1.
Variant type: single nucleotide variant.
Coding change: c.2147G>A on transcript NM_024422.6 (MANE Select); coding-DNA position 2147, G replaced by A.
Protein change: p.Cys716Tyr; replaces cysteine 716 with tyrosine.
Molecular consequence: missense variant.
Genome position (GRCh38, 1-based): chr18:31,070,829, C>T on the plus strand (G>A on the coding strand, the complement: DSC2 is on the minus strand). VCF-style: chr18-31070829-C-T. GRCh37 (hg19) VCF-style: chr18-28650795-C-T.
Other names: c.2147G>A, p.Cys716Tyr (NM_004949.5); short protein forms C716Y.
Identifiers: ClinVar variation 1038177 (VCV001038177.8), dbSNP rs764008863, ClinGen allele CA402112551.

ClinVar aggregate classification (germline): Uncertain significance (1 of 4 stars; one submission).

Conditions:
Arrhythmogenic right ventricular dysplasia 11. Also called: Arrhythmogenic Right Ventricular Dysplasia/Cardiomyopathy11; ARRHYTHMOGENIC RIGHT VENTRICULAR DYSPLASIA, FAMILIAL, 11; Arrhythmogenic right ventricular dysplasia 11 with mild palmoplantar keratoderma and woolly hair. Identifiers: MedGen C1864850, MONDO:0012506, OMIM 610476.

Submission:

Labcorp Genetics (formerly Invitae), Labcorp
Classification: Uncertain significance for Arrhythmogenic right ventricular dysplasia 11. Last evaluated: 2022-09-01. Review status: criteria provided, single submitter. Criteria: Invitae Variant Classification Sherloc (09022015). Collection method: clinical testing. Allele origin: germline.
Comment: In summary, the available evidence is currently insufficient to determine the role of this variant in disease. Therefore, it has been classified as a Variant of Uncertain Significance. Algorithms developed to predict the effect of missense changes on protein structure and function are either unavailable or do not agree on the potential impact of this missense change (SIFT: "Deleterious"; PolyPhen-2: "Not Available"; Align-GVGD: "Class C65"). ClinVar contains an entry for this variant (Variation ID: 1038177). This variant has not been reported in the literature in individuals affected with DSC2-related conditions. This variant is not present in population databases (gnomAD no frequency). This sequence change replaces cysteine, which is neutral and slightly polar, with tyrosine, which is neutral and polar, at codon 716 of the DSC2 protein (p.Cys716Tyr).